The following is an entry in ClinVar:

NM_005477.3(HCN4):c.3206_3212del (p.Arg1069fs)

Gene: HCN4 (hyperpolarization activated cyclic nucleotide gated potassium channel 4; minus strand). Cytogenetic location: 15q24.1.
Variant type: Deletion.
Coding change: c.3206_3212del on transcript NM_005477.3 (MANE Select); coding-DNA positions 3206 to 3212, 7 bases deleted (GGGGCAC; older notation c.3206_3212delGGGGCAC).
Protein change: p.Arg1069fs; shifts the reading frame from arginine 1069.
Molecular consequence: frameshift variant.
Genome position (GRCh38, 1-based): chr15:73,322,881-73,322,887, GTGCCCC deleted on the plus strand (GGGGCAC on the coding strand, the reverse complement: HCN4 is on the minus strand); deleting any 7 consecutive bases within chr15:73,322,881-73,322,888 gives the same sequence; the c. name uses the placement nearest the transcript's 3' end. VCF-style (leftmost placement, unchanged base first): chr15-73322880-TGTGCCCC-T. GRCh37 (hg19) VCF-style: chr15-73615221-TGTGCCCC-T.
Other names: short protein forms R1069fs.
Identifiers: ClinVar variation 4734162 (VCV004734162.1).

ClinVar aggregate classification (germline): Uncertain significance (1 of 4 stars; one submission).

Conditions:
Brugada syndrome 8 (BRGDA8). Identifiers: Orphanet 130, MedGen C2751083, MONDO:0013148, OMIM 613123.

Submission:

Labcorp Genetics (formerly Invitae), Labcorp
Classification: Uncertain significance for Brugada syndrome 8. Last evaluated: 2026-01-08. Review status: criteria provided, single submitter. Criteria: Invitae Variant Classification Sherloc (09022015). Collection method: clinical testing. Allele origin: germline.
Comment: This sequence change creates a premature translational stop signal (p.Arg1069Hisfs*110) in the HCN4 gene. While this is not anticipated to result in nonsense mediated decay, it is expected to disrupt the last 135 amino acid(s) of the HCN4 protein. This variant is not present in population databases (gnomAD no frequency). This variant has not been reported in the literature in individuals affected with HCN4-related conditions. Experimental studies and prediction algorithms are not available or were not evaluated, and the functional significance of this variant is currently unknown. In summary, the available evidence is currently insufficient to determine the role of this variant in disease. Therefore, it has been classified as a Variant of Uncertain Significance.